The following is an entry in ClinVar:

NM_016247.4(IMPG2):c.311A>G (p.His104Arg)

Gene: IMPG2 (interphotoreceptor matrix proteoglycan 2; minus strand). Cytogenetic location: 3q12.3.
Variant type: single nucleotide variant.
Coding change: c.311A>G on transcript NM_016247.4 (MANE Select); coding-DNA position 311, A replaced by G.
Protein change: p.His104Arg; replaces histidine 104 with arginine.
Molecular consequence: missense variant.
Genome position (GRCh38, 1-based): chr3:101,319,607, T>C on the plus strand (A>G on the coding strand, the complement: IMPG2 is on the minus strand). VCF-style: chr3-101319607-T-C. GRCh37 (hg19) VCF-style: chr3-101038451-T-C.
Other names: short protein forms H104R.
Identifiers: ClinVar variation 1365077 (VCV001365077.8), dbSNP rs746407472, ClinGen allele CA2519517.

ClinVar aggregate classification (germline): Uncertain significance (1 of 4 stars; one submission).

Allele frequency attached by ClinVar (database versions not stated): gnomAD exomes 0.00002 and 0.00004; ExAC 0.00008.
gnomAD v4.1: 35 of 1,613,674 alleles (0.0022%); highest among the groups gnomAD compares: Non-Finnish European, 0.0022%; no homozygotes.

Submission:

Labcorp Genetics (formerly Invitae), Labcorp
Classification: Uncertain significance. Last evaluated: 2021-03-03. Review status: criteria provided, single submitter. Criteria: Invitae Variant Classification Sherloc (09022015). Collection method: clinical testing. Allele origin: germline.
Comment: This sequence change replaces histidine with arginine at codon 104 of the IMPG2 protein (p.His104Arg). The histidine residue is highly conserved and there is a small physicochemical difference between histidine and arginine. This variant is present in population databases (rs746407472, ExAC 0.01%). This variant has not been reported in the literature in individuals with IMPG2-related conditions. Algorithms developed to predict the effect of missense changes on protein structure and function (SIFT, PolyPhen-2, Align-GVGD) all suggest that this variant is likely to be disruptive, but these predictions have not been confirmed by published functional studies and their clinical significance is uncertain. In summary, the available evidence is currently insufficient to determine the role of this variant in disease. Therefore, it has been classified as a Variant of Uncertain Significance.